The following is an entry in ClinVar:

NM_001184.4(ATR):c.2126C>T (p.Ser709Phe)

Gene: ATR (ATR checkpoint kinase; minus strand). Cytogenetic location: 3q23.
Variant type: single nucleotide variant.
Coding change: c.2126C>T on transcript NM_001184.4 (MANE Select); coding-DNA position 2126, C replaced by T.
Protein change: p.Ser709Phe; replaces serine 709 with phenylalanine.
Molecular consequence: missense variant.
Genome position (GRCh38, 1-based): chr3:142,556,092, G>A on the plus strand (C>T on the coding strand, the complement: ATR is on the minus strand). VCF-style: chr3-142556092-G-A. GRCh37 (hg19) VCF-style: chr3-142274934-G-A.
Other names: c.1934C>T, p.Ser645Phe (NM_001354579.2); short protein forms S645F, S709F.
Identifiers: ClinVar variation 3221073 (VCV003221073.1), dbSNP rs2108471620, ClinGen allele CA354818934.

ClinVar aggregate classification (germline): Uncertain significance (1 of 4 stars; one submission).

Conditions:
Inborn genetic diseases. Identifiers: MedGen C0950123, MeSH D030342.

Submission:

Ambry Genetics
Classification: Uncertain significance for Inborn genetic diseases. Last evaluated: 2024-02-10. Review status: criteria provided, single submitter. Criteria: Ambry Variant Classification Scheme 2023. Collection method: clinical testing. Allele origin: germline.
Comment: The p.S709F variant (also known as c.2126C>T), located in coding exon 10 of the ATR gene, results from a C to T substitution at nucleotide position 2126. The serine at codon 709 is replaced by phenylalanine, an amino acid with highly dissimilar properties. This amino acid position is conserved. In addition, this alteration is predicted to be tolerated by in silico analysis. Based on the available evidence, the clinical significance of this alteration remains unclear.